The following is an entry in ClinVar:

ClinVar aggregate classification (germline): Conflicting classifications of pathogenicity. Review status: criteria provided, conflicting classifications (1 of 4 stars). 3 submissions from 3 submitters: Uncertain significance (2); Likely benign (1). Last evaluated 2026-01-24.

Conditions:
Cardiovascular phenotype. Identifiers: MedGen CN230736.
Long QT syndrome (LQTS). Identifiers: MedGen C0023976, MeSH D008133, MONDO:0002442. Disease mechanism: loss of function. Inheritance: Various modes of inheritance.
Familial hyperaldosteronism type III. Also called: FH III; Familial hyperaldosteronism type 3. Identifiers: Orphanet 251274, MedGen C3838758, MONDO:0013359, OMIM 613677.
Long QT syndrome 13 (LQT13). Identifiers: Orphanet 101016, Orphanet 768, MedGen C3150733, MONDO:0013279, OMIM 613485.

Allele frequency attached by ClinVar (database versions not stated): ExAC 0.00003.
gnomAD v4.1: 13 of 1,600,566 alleles (0.00081%); highest among the groups gnomAD compares: South Asian, 0.0034%; no homozygotes.

Submissions (3):

Ambry Genetics
Classification: Likely benign for Cardiovascular phenotype. Last evaluated: 2026-01-24. Review status: criteria provided, single submitter. Criteria: Ambry Variant Classification Scheme 2023. Collection method: clinical testing. Allele origin: germline.

Fulgent Genetics
Classification: Uncertain significance for Long QT syndrome 13; Familial hyperaldosteronism type III. Last evaluated: 2024-03-02. Review status: criteria provided, single submitter. Criteria: ACMG Guidelines, 2015. Collection method: clinical testing. Allele origin: germline.

Labcorp Genetics (formerly Invitae), Labcorp
Classification: Uncertain significance for Long QT syndrome. Last evaluated: 2024-02-03. Review status: criteria provided, single submitter. Criteria: Invitae Variant Classification Sherloc (09022015). Collection method: clinical testing. Allele origin: germline.
Comment: This sequence change replaces arginine, which is basic and polar, with glutamine, which is neutral and polar, at codon 220 of the KCNJ5 protein (p.Arg220Gln). This variant is present in population databases (rs775915273, gnomAD 0.008%). This variant has not been reported in the literature in individuals affected with KCNJ5-related conditions. Advanced modeling of protein sequence and biophysical properties (such as structural, functional, and spatial information, amino acid conservation, physicochemical variation, residue mobility, and thermodynamic stability) performed at Invitae indicates that this missense variant is expected to disrupt KCNJ5 protein function with a positive predictive value of 80%. In summary, the available evidence is currently insufficient to determine the role of this variant in disease. Therefore, it has been classified as a Variant of Uncertain Significance.

NM_000890.5(KCNJ5):c.659G>A (p.Arg220Gln)

Gene: KCNJ5 (potassium inwardly rectifying channel subfamily J member 5; plus strand). Cytogenetic location: 11q24.3.
Variant type: single nucleotide variant.
Coding change: c.659G>A on transcript NM_000890.5 (MANE Select); coding-DNA position 659, G replaced by A.
Protein change: p.Arg220Gln; replaces arginine 220 with glutamine.
Molecular consequence: missense variant.
Genome position (GRCh38, 1-based): chr11:128,911,932, G>A. VCF-style: chr11-128911932-G-A. GRCh37 (hg19) VCF-style: chr11-128781827-G-A.
Other names: c.659G>A, p.Arg220Gln (NM_001354169.2); short protein forms R220Q.
Identifiers: ClinVar variation 2856410 (VCV002856410.5), dbSNP rs775915273, ClinGen allele CA6357912.